The following is an entry in ClinVar:

NM_002907.4(RECQL):c.196G>C (p.Ala66Pro)

Gene: RECQL (RecQ like helicase; minus strand). Cytogenetic location: 12p12.1.
Variant type: single nucleotide variant.
Coding change: c.196G>C on transcript NM_002907.4 (MANE Select); coding-DNA position 196, G replaced by C.
Protein change: p.Ala66Pro; replaces alanine 66 with proline.
Molecular consequence: missense variant.
Genome position (GRCh38, 1-based): chr12:21,491,537, C>G on the plus strand (G>C on the coding strand, the complement: RECQL is on the minus strand). VCF-style: chr12-21491537-C-G. GRCh37 (hg19) VCF-style: chr12-21644471-C-G.
Other names: c.196G>C, p.Ala66Pro (NM_032941.3); short protein forms A66P.
Identifiers: ClinVar variation 4576950 (VCV004576950.1).

ClinVar aggregate classification (germline): Uncertain significance (1 of 4 stars; one submission).

Submission:

Ambry Genetics
Classification: Uncertain significance. Last evaluated: 2025-11-12. Review status: criteria provided, single submitter. Criteria: Ambry Variant Classification Scheme 2023. Collection method: clinical testing. Allele origin: germline.
Comment: The p.A66P variant (also known as c.196G>C), located in coding exon 2 of the RECQL gene, results from a G to C substitution at nucleotide position 196. The alanine at codon 66 is replaced by proline, an amino acid with highly similar properties. This amino acid position is conserved. In addition, this alteration is predicted to be tolerated by in silico analysis. Based on the available evidence, the clinical significance of this variant remains unclear.